The following is an entry in ClinVar:

ClinVar aggregate classification (germline): Uncertain significance. Review status: criteria provided, multiple submitters, no conflicts (2 of 4 stars). 2 submissions from 2 submitters: Uncertain significance (2). Last evaluated 2025-04-17.

Allele frequency attached by ClinVar (database versions not stated): gnomAD 0.00001; TOPMed 0.00001; gnomAD exomes 0.00002; ExAC 0.00003.

Submissions (2):

Labcorp Genetics (formerly Invitae), Labcorp
Classification: Uncertain significance. Last evaluated: 2025-04-17. Review status: criteria provided, single submitter. Criteria: Invitae Variant Classification Sherloc (09022015). Collection method: clinical testing. Allele origin: germline.
Comment: This sequence change replaces serine, which is neutral and polar, with cysteine, which is neutral and slightly polar, at codon 71 of the EIF2AK1 protein (p.Ser71Cys). This variant is present in population databases (rs769250111, gnomAD 0.02%). This variant has not been reported in the literature in individuals affected with EIF2AK1-related conditions. ClinVar contains an entry for this variant (Variation ID: 2159393). An algorithm developed to predict the effect of missense changes on protein structure and function (PolyPhen-2) suggests that this variant is likely to be disruptive. In summary, the available evidence is currently insufficient to determine the role of this variant in disease. Therefore, it has been classified as a Variant of Uncertain Significance.

Ambry Genetics
Classification: Uncertain significance. Last evaluated: 2025-03-07. Review status: criteria provided, single submitter. Criteria: Ambry Variant Classification Scheme 2023. Collection method: clinical testing. Allele origin: germline.

NM_014413.4(EIF2AK1):c.212C>G (p.Ser71Cys)

Gene: EIF2AK1 (eukaryotic translation initiation factor 2 alpha kinase 1; minus strand). Cytogenetic location: 7p22.1.
Variant type: single nucleotide variant.
Coding change: c.212C>G on transcript NM_014413.4 (MANE Select); coding-DNA position 212, C replaced by G.
Protein change: p.Ser71Cys; replaces serine 71 with cysteine.
Molecular consequence: missense variant.
Genome position (GRCh38, 1-based): chr7:6,054,611, G>C on the plus strand (C>G on the coding strand, the complement: EIF2AK1 is on the minus strand). VCF-style: chr7-6054611-G-C. GRCh37 (hg19) VCF-style: chr7-6094242-G-C.
Other names: c.212C>G, p.Ser71Cys (NM_001134335.2); c.212C>G (NM_014413.3); short protein forms S71C.
Identifiers: ClinVar variation 2159393 (VCV002159393.5), dbSNP rs769250111, ClinGen allele CA4151318.